The following is an entry in ClinVar:

NM_020843.4(SCAPER):c.1867-6T>G

Gene: SCAPER (S-phase cyclin A associated protein in the ER; minus strand). Cytogenetic location: 15q24.3.
Variant type: single nucleotide variant.
Coding change: c.1867-6T>G on transcript NM_020843.4 (MANE Select); 6 bases into the intron before coding-DNA position 1867, T replaced by G.
Molecular consequence: intron variant.
Genome position (GRCh38, 1-based): chr15:76,733,390, A>C on the plus strand (T>G on the coding strand, the complement: SCAPER is on the minus strand). VCF-style: chr15-76733390-A-C. GRCh37 (hg19) VCF-style: chr15-77025731-A-C.
Other names: c.1483-6T>G (NM_001353011.2); c.1465-6T>G (NM_001353012.2, NM_001353010.2); c.1885-6T>G (NM_001353009.2); c.1129-6T>G (NM_001145923.2).
Identifiers: ClinVar variation 4994365 (VCV004994365.1).

ClinVar aggregate classification (germline): Likely benign (1 of 4 stars; one submission).

Conditions:
SCAPER-related disorder. Also called: SCAPER-related condition.

gnomAD v4.1: 2 of 1,610,544 alleles (0.00012%); highest among the groups gnomAD compares: East Asian, 0.0045%; no homozygotes.

Submission:

PreventionGenetics, part of Exact Sciences
Classification: Likely benign for SCAPER-related condition. Last evaluated: 2026-06-02. Review status: criteria provided, single submitter. Criteria: ACMG Guidelines, 2015. Collection method: clinical testing. Allele origin: germline.
Comment: This variant is classified as likely benign based on ACMG/AMP sequence variant interpretation guidelines (Richards et al. 2015 PMID: 25741868, with internal and published modifications).